The following is an entry in ClinVar:

ClinVar aggregate classification (germline): Uncertain significance. Review status: criteria provided, multiple submitters, no conflicts (2 of 4 stars). 4 submissions from 4 submitters: Uncertain significance (4). Last evaluated 2025-12-31.

Conditions:
Breast-ovarian cancer, familial, susceptibility to, 4. Identifiers: Orphanet 145, MedGen C3280345, MONDO:0013669, OMIM 614291.
Hereditary cancer-predisposing syndrome. Also called: Hereditary neoplastic syndrome; Neoplastic Syndromes, Hereditary; Hereditary Cancer Syndrome; Tumor predisposition. Identifiers: Orphanet 140162, MedGen C0027672, MeSH D009386, MONDO:0015356.

Allele frequency attached by ClinVar (database versions not stated): gnomAD exomes below 0.00001.
gnomAD v4.1: 4 of 1,613,870 alleles (0.00025%); highest among the groups gnomAD compares: African/African-American, 0.0013%; no homozygotes.

Submissions (4):

Labcorp Genetics (formerly Invitae), Labcorp
Classification: Uncertain significance for Breast-ovarian cancer, familial, susceptibility to, 4. Last evaluated: 2025-12-31. Review status: criteria provided, single submitter. Criteria: Invitae Variant Classification Sherloc (09022015). Collection method: clinical testing. Allele origin: germline.
Comment: This sequence change replaces threonine, which is neutral and polar, with isoleucine, which is neutral and non-polar, at codon 252 of the RAD51D protein (p.Thr252Ile). The frequency data for this variant in the population databases is considered unreliable, as metrics indicate poor data quality at this position in the gnomAD database. This variant has not been reported in the literature in individuals affected with RAD51D-related conditions. ClinVar contains an entry for this variant (Variation ID: 658955). Invitae Evidence Modeling of protein sequence and biophysical properties (such as structural, functional, and spatial information, amino acid conservation, physicochemical variation, residue mobility, and thermodynamic stability) indicates that this missense variant is not expected to disrupt RAD51D protein function with a negative predictive value of 80%. In summary, the available evidence is currently insufficient to determine the role of this variant in disease. Therefore, it has been classified as a Variant of Uncertain Significance.

GeneDx
Classification: Uncertain significance. Last evaluated: 2024-05-22. Review status: criteria provided, single submitter. Criteria: GeneDx Variant Classification Process June 2021. Collection method: clinical testing. Allele origin: germline. Affected: yes.
Comment: Not observed at significant frequency in large population cohorts (gnomAD); In silico analysis indicates that this missense variant does not alter protein structure/function; Has not been previously published as pathogenic or benign to our knowledge; This variant is associated with the following publications: (PMID: 21111057, 14704354, 19327148)

Color Diagnostics, LLC DBA Color Health
Classification: Uncertain significance for Hereditary cancer-predisposing syndrome. Last evaluated: 2018-11-22. Review status: criteria provided, single submitter. Criteria: ACMG Guidelines, 2015. Collection method: clinical testing. Allele origin: germline.

Ambry Genetics
Classification: Uncertain significance for Hereditary cancer-predisposing syndrome. Last evaluated: 2017-11-02. Review status: criteria provided, single submitter. Criteria: Ambry Variant Classification Scheme 2023. Collection method: clinical testing. Allele origin: germline.
Comment: The p.T252I variant (also known as c.755C>T), located in coding exon 9 of the RAD51D gene, results from a C to T substitution at nucleotide position 755. The threonine at codon 252 is replaced by isoleucine, an amino acid with similar properties. This amino acid position is highly conserved in available vertebrate species. In addition, this alteration is predicted to be deleterious by in silico analysis. Since supporting evidence is limited at this time, the clinical significance of this alteration remains unclear.

NM_002878.4(RAD51D):c.755C>T (p.Thr252Ile)

Genes: RAD51L3-RFFL (RAD51L3-RFFL readthrough; minus strand), RAD51D (RAD51 paralog D; minus strand). Cytogenetic location: 17q12.
Variant type: single nucleotide variant.
Coding change: c.755C>T on transcript NM_002878.4 (MANE Select); coding-DNA position 755, C replaced by T.
Protein change: p.Thr252Ile; replaces threonine 252 with isoleucine.
Molecular consequence: missense variant. On other transcripts: non-coding transcript variant (3).
Genome position (GRCh38, 1-based): chr17:35,101,349, G>A on the plus strand (C>T on the coding strand, the complement: RAD51D is on the minus strand). VCF-style: chr17-35101349-G-A. GRCh37 (hg19) VCF-style: chr17-33428368-G-A.
Other names: c.815C>T, p.Thr272Ile (NM_001142571.2); c.419C>T, p.Thr140Ile (NM_133629.3); short protein forms T140I, T252I, T272I.
Identifiers: ClinVar variation 658955 (VCV000658955.12), dbSNP rs1467844944, ClinGen allele CA399086957.